The following is an entry in ClinVar:

ClinVar aggregate classification (germline): Pathogenic. Review status: reviewed by expert panel (3 of 4 stars). 4 submissions from 4 submitters: Pathogenic (1). 3 of the submissions do not count toward it. Last evaluated 2016-10-18.

Conditions:
Hereditary breast ovarian cancer syndrome. Also called: Hereditary breast and ovarian cancer syndrome; Hereditary breast and ovarian cancer; Hereditary breast and ovarian cancer syndrome (HBOC); Breast and ovarian cancer; Hereditary breast and/or ovarian cancer syndrome; BRCA1- and BRCA2-Associated Hereditary Breast and Ovarian Cancer. Identifiers: Orphanet 145, MedGen C0677776, MeSH D061325, MONDO:0003582. Disease mechanism: loss of function.
Hereditary cancer-predisposing syndrome. Also called: Neoplastic Syndromes, Hereditary; Tumor predisposition; Hereditary neoplastic syndrome; Hereditary Cancer Syndrome. Identifiers: Orphanet 140162, MedGen C0027672, MeSH D009386, MONDO:0015356.
Breast-ovarian cancer, familial, susceptibility to, 2 (BROVCA2). Also called: BRCA2 Hereditary Breast and Ovarian Cancer. Identifiers: Orphanet 145, MedGen C2675520, MONDO:0012933, OMIM 612555. Disease mechanism: loss of function.

Submissions (4):

Evidence-based Network for the Interpretation of Germline Mutant Alleles (ENIGMA)
Classification: Pathogenic for Breast-ovarian cancer, familial, susceptibility to, 2. Last evaluated: 2016-10-18. Review status: reviewed by expert panel. Criteria: ENIGMA BRCA1/2 Classification Criteria (2015). Collection method: curation. Allele origin: germline.
Comment: Variant allele predicted to encode a truncated non-functional protein.

Labcorp Genetics (formerly Invitae), Labcorp
Classification: Pathogenic for Hereditary breast ovarian cancer syndrome. Last evaluated: 2024-06-24. Review status: criteria provided, single submitter. Criteria: Invitae Variant Classification Sherloc (09022015). Collection method: clinical testing. Allele origin: germline. Not counted in ClinVar's aggregate classification.
Comment: This sequence change creates a premature translational stop signal (p.Val2690Phefs*2) in the BRCA2 gene. It is expected to result in an absent or disrupted protein product. Loss-of-function variants in BRCA2 are known to be pathogenic (PMID: 20104584). This variant is not present in population databases (gnomAD no frequency). This premature translational stop signal has been observed in individual(s) with breast cancer (PMID: 19016756). ClinVar contains an entry for this variant (Variation ID: 52492). For these reasons, this variant has been classified as Pathogenic.

Color Diagnostics, LLC DBA Color Health
Classification: Pathogenic for Hereditary cancer-predisposing syndrome. Last evaluated: 2023-02-16. Review status: criteria provided, single submitter. Criteria: ACMG Guidelines, 2015. Collection method: clinical testing. Allele origin: germline. Not counted in ClinVar's aggregate classification.
Comment: This variant deletes 2 nucleotides in exon 18 of the BRCA2 gene, creating a frameshift and premature translation stop signal. This variant is expected to result in an absent or non-functional protein product. This variant has been reported in an individual affected with breast cancer (PMID: 19016756) and has been identified in 2 families among the CIMBA participants (PMID: 29446198). This variant has not been identified in the general population by the Genome Aggregation Database (gnomAD). Loss of BRCA2 function is a known mechanism of disease. Based on the available evidence, this variant is classified as Pathogenic.

Consortium of Investigators of Modifiers of BRCA1/2 (CIMBA), c/o University of Cambridge
Classification: Pathogenic for Breast-ovarian cancer, familial, susceptibility to, 2. Last evaluated: 2015-10-02. Review status: criteria provided, single submitter. Criteria: CIMBA Mutation Classification guidelines May 2016. Collection method: clinical testing. Allele origin: germline. Not counted in ClinVar's aggregate classification.

Literature cited by the submitters: PubMed 20104584 (cited by Labcorp Genetics (formerly Invitae), Labcorp); PubMed 19016756 (cited by Labcorp Genetics (formerly Invitae), Labcorp and Color Diagnostics, LLC DBA Color Health); PubMed 29446198 (cited by Color Diagnostics, LLC DBA Color Health).

NM_000059.4(BRCA2):c.8064_8065del (p.Val2690fs)

Gene: BRCA2 (BRCA2 DNA repair associated; plus strand). Cytogenetic location: 13q13.1.
Variant type: Microsatellite.
Coding change: c.8064_8065del on transcript NM_000059.4 (MANE Select); coding-DNA positions 8064 to 8065, 2 bases deleted (CT; older notation c.8064_8065delCT).
Protein change: p.Val2690fs; shifts the reading frame from valine 2690.
Molecular consequence: frameshift variant.
Genome position (GRCh38, 1-based): chr13:32,363,266-32,363,267, CT deleted; deleting any 2 consecutive bases within chr13:32,363,263-32,363,267 gives the same sequence; the c. name uses the placement nearest the transcript's 3' end. VCF-style (leftmost placement, unchanged base first): chr13-32363262-TTC-T. GRCh37 (hg19) VCF-style: chr13-32937399-TTC-T.
Other names: 8292delCT; c.8064_8065delCT (NM_000059.3); short protein forms V2690fs.
Identifiers: ClinVar variation 52492 (VCV000052492.11), dbSNP rs397507961, ClinGen allele CA025433.